The following is an entry in ClinVar:

NM_000379.4(XDH):c.752A>G (p.Gln251Arg)

Gene: XDH (xanthine dehydrogenase; minus strand). Cytogenetic location: 2p23.1.
Variant type: single nucleotide variant.
Coding change: c.752A>G on transcript NM_000379.4 (MANE Select); coding-DNA position 752, A replaced by G.
Protein change: p.Gln251Arg; replaces glutamine 251 with arginine.
Molecular consequence: missense variant.
Genome position (GRCh38, 1-based): chr2:31,386,455, T>C on the plus strand (A>G on the coding strand, the complement: XDH is on the minus strand). VCF-style: chr2-31386455-T-C. GRCh37 (hg19) VCF-style: chr2-31609321-T-C.
Other names: short protein forms Q251R.
Identifiers: ClinVar variation 2114134 (VCV002114134.4), dbSNP rs2465401734, ClinGen allele CA346496483.

ClinVar aggregate classification (germline): Uncertain significance (1 of 4 stars; one submission).

Conditions:
Xanthinuria type II. Also called: Xanthine dehydrogenase and aldehyde oxidase combined deficiency of; XDH and AOX dual deficiency. Identifiers: Orphanet 3467, Orphanet 93602, MedGen C1863688, MONDO:0011346, OMIM 603592.

Submission:

Labcorp Genetics (formerly Invitae), Labcorp
Classification: Uncertain significance for Xanthinuria type II. Last evaluated: 2022-03-19. Review status: criteria provided, single submitter. Criteria: Invitae Variant Classification Sherloc (09022015). Collection method: clinical testing. Allele origin: germline.
Comment: In summary, the available evidence is currently insufficient to determine the role of this variant in disease. Therefore, it has been classified as a Variant of Uncertain Significance. Algorithms developed to predict the effect of missense changes on protein structure and function output the following: SIFT: "Tolerated"; PolyPhen-2: "Benign"; Align-GVGD: "Class C0". The arginine amino acid residue is found in multiple mammalian species, which suggests that this missense change does not adversely affect protein function. This variant has not been reported in the literature in individuals affected with XDH-related conditions. This variant is not present in population databases (gnomAD no frequency). This sequence change replaces glutamine, which is neutral and polar, with arginine, which is basic and polar, at codon 251 of the XDH protein (p.Gln251Arg).